The following is an entry in ClinVar:

NM_172351.3(CD46):c.397T>G (p.Leu133Val)

Gene: CD46 (CD46 molecule; plus strand). Cytogenetic location: 1q32.2.
Variant type: single nucleotide variant.
Coding change: c.397T>G on transcript NM_172351.3 (MANE Select); coding-DNA position 397, T replaced by G.
Protein change: p.Leu133Val; replaces leucine 133 with valine.
Molecular consequence: missense variant.
Genome position (GRCh38, 1-based): chr1:207,759,646, T>G. VCF-style: chr1-207759646-T-G. GRCh37 (hg19) VCF-style: chr1-207932991-T-G.
Other names: c.397T>G, p.Leu133Val (NM_002389.4, NM_153826.4, NM_172350.3 and 8 more transcripts); short protein forms L133V.
Identifiers: ClinVar variation 4777545 (VCV004777545.1).

ClinVar aggregate classification (germline): Uncertain significance (1 of 4 stars; one submission).

Submission:

Labcorp Genetics (formerly Invitae), Labcorp
Classification: Uncertain significance. Last evaluated: 2025-03-21. Review status: criteria provided, single submitter. Criteria: Invitae Variant Classification Sherloc (09022015). Collection method: clinical testing. Allele origin: germline.
Comment: This sequence change replaces leucine, which is neutral and non-polar, with valine, which is neutral and non-polar, at codon 133 of the CD46 protein (p.Leu133Val). This variant is not present in population databases (gnomAD no frequency). This variant has not been reported in the literature in individuals affected with CD46-related conditions. Invitae Evidence Modeling of protein sequence and biophysical properties (such as structural, functional, and spatial information, amino acid conservation, physicochemical variation, residue mobility, and thermodynamic stability) indicates that this missense variant is not expected to disrupt CD46 protein function with a negative predictive value of 80%. In summary, the available evidence is currently insufficient to determine the role of this variant in disease. Therefore, it has been classified as a Variant of Uncertain Significance.